The following is an entry in ClinVar:

ClinVar aggregate classification (germline): Likely pathogenic (1 of 4 stars; one submission).

Conditions:
Pyridoxine-dependent epilepsy (EPEO4). Also called: PYRIDOXINE DEPENDENCY WITH SEIZURES; Pyridoxine-Dependent Seizures; Pyridoxine-Dependent Epilepsy - ALDH7A1; EPILEPSY, EARLY-ONSET, 4, VITAMIN B6-DEPENDENT. Identifiers: Orphanet 3006, MedGen C1849508, MONDO:0009945, OMIM 266100. Disease mechanism: loss of function.

Submission:

Excellence Center for Genomics and Precision Medicine, King Chulalongkorn Memorial Hospital
Classification: Likely pathogenic for Pyridoxine-dependent epilepsy. Last evaluated: 2024-10-01. Review status: criteria provided, single submitter. Criteria: ACMG Guidelines, 2015. Collection method: clinical testing. Allele origin: germline. Inheritance: Autosomal recessive inheritance. Affected: yes. Observed: 1 compound heterozygote.
Comment: PM3: For recessive disorders, detected in trans with a pathogenic variant (NM_001182.5(ALDH7A1):c.1061A>G p.(Tyr354Cys)) in this patient (1 point) PM2_Supporting: Absent from gnomAD population databases PP3: For a missense or a splicing region variant, computational prediction tools unanimously support a deleterious effect on the gene. SpliceAI score: Splice-Altering / strong (0.91) PP4_Moderate: Patient's phenotype or family history is highly specific for a disease with a single genetic etiology

NM_001182.5(ALDH7A1):c.695+3A>C

Gene: ALDH7A1 (aldehyde dehydrogenase 7 family member A1; minus strand). Cytogenetic location: 5q23.2.
Variant type: single nucleotide variant.
Coding change: c.695+3A>C on transcript NM_001182.5 (MANE Select); 3 bases into the intron after coding-DNA position 695, A replaced by C.
Molecular consequence: intron variant.
Genome position (GRCh38, 1-based): chr5:126,575,417, T>G on the plus strand (A>C on the coding strand, the complement: ALDH7A1 is on the minus strand). VCF-style: chr5-126575417-T-G. GRCh37 (hg19) VCF-style: chr5-125911109-T-G.
Other names: c.695+3A>C (NM_001202404.2); c.611+3A>C (NM_001201377.2).
Identifiers: ClinVar variation 3384190 (VCV003384190.2).